The following is an entry in ClinVar:

NM_201253.3(CRB1):c.1775T>C (p.Ile592Thr)

Gene: CRB1 (crumbs cell polarity complex component 1; plus strand). Cytogenetic location: 1q31.3.
Variant type: single nucleotide variant.
Coding change: c.1775T>C on transcript NM_201253.3 (MANE Select); coding-DNA position 1775, T replaced by C.
Protein change: p.Ile592Thr; replaces isoleucine 592 with threonine.
Molecular consequence: missense variant. On other transcripts: non-coding transcript variant (1).
Genome position (GRCh38, 1-based): chr1:197,421,603, T>C. VCF-style: chr1-197421603-T-C. GRCh37 (hg19) VCF-style: chr1-197390733-T-C.
Other names: c.1439T>C, p.Ile480Thr (NM_001193640.2); c.1568T>C, p.Ile523Thr (NM_001257965.2); c.1775T>C, p.Ile592Thr (NM_001257966.2); short protein forms I480T, I523T, I592T.
Identifiers: ClinVar variation 2428442 (VCV002428442.6), dbSNP rs146486883, ClinGen allele CA1311980.
Genomic context (GRCh38, chr1:197,421,603, plus strand): 5'-TAATATTTGCAGAGGCTGTGACCCTTACCTTAATCGACGACTCCTGTAAGGAGAAATGCA[T>C]CGCGAAAGCTCCTACTCCACTTGAAAGTGATCAATCAATATGTGCTTTTCAGAACTCCTT-3'
Protein context (NP_957705.1, residues 582-602): LIDDSCKEKC[Ile592Thr]AKAPTPLESD

ClinVar aggregate classification (germline): Uncertain significance (1 of 4 stars; one submission).

Conditions:
Retinitis pigmentosa 12 (RP12). Also called: RP WITH OR WITHOUT PRESERVED PARAARTERIOLE RETINAL PIGMENT EPITHELIUM; RETINITIS PIGMENTOSA WITH OR WITHOUT PARAARTERIOLAR PRESERVATION OF RETINAL PIGMENT EPITHELIUM; RP WITH OR WITHOUT PPRPE. Identifiers: Orphanet 791, MedGen C1838647, MONDO:0010818, OMIM 600105.
Leber congenital amaurosis 8 (LCA8). Identifiers: Orphanet 65, MedGen C3151202, MONDO:0013453, OMIM 613835.

Allele frequency attached by ClinVar (database versions not stated): gnomAD exomes below 0.00001; TOPMed below 0.00001; ExAC 0.00001; ESP Exome Variant Server 0.00008.

Submission:

Labcorp Genetics (formerly Invitae), Labcorp
Classification: Uncertain significance for Leber congenital amaurosis 8; Retinitis pigmentosa 12. Last evaluated: 2022-06-27. Review status: criteria provided, single submitter. Criteria: Invitae Variant Classification Sherloc (09022015). Collection method: clinical testing. Allele origin: germline.
Comment: In summary, the available evidence is currently insufficient to determine the role of this variant in disease. Therefore, it has been classified as a Variant of Uncertain Significance. Advanced modeling of protein sequence and biophysical properties (such as structural, functional, and spatial information, amino acid conservation, physicochemical variation, residue mobility, and thermodynamic stability) performed at Invitae indicates that this missense variant is not expected to disrupt CRB1 protein function. This variant has not been reported in the literature in individuals affected with CRB1-related conditions. This variant is present in population databases (rs146486883, gnomAD 0.0009%). This sequence change replaces isoleucine, which is neutral and non-polar, with threonine, which is neutral and polar, at codon 592 of the CRB1 protein (p.Ile592Thr).